The following is an entry in ClinVar:

NM_001385012.1(NBEA):c.4424-1G>C

Gene: NBEA (neurobeachin; plus strand). Cytogenetic location: 13q13.3.
Variant type: single nucleotide variant.
Coding change: c.4424-1G>C on transcript NM_001385012.1 (MANE Select); the canonical splice acceptor site of the intron before coding-DNA position 4424, G replaced by C.
Molecular consequence: splice acceptor variant.
Genome position (GRCh38, 1-based): chr13:35,173,463, G>C. VCF-style: chr13-35173463-G-C. GRCh37 (hg19) VCF-style: chr13-35747600-G-C.
Other names: c.4424-1G>C (NM_015678.5); c.4415-1G>C (NM_001379245.1).
Identifiers: ClinVar variation 2570858 (VCV002570858.27), dbSNP rs2503844606, ClinGen allele CA387830307.

ClinVar aggregate classification (germline): Pathogenic (1 of 4 stars; one submission).

Submission:

CeGaT Center for Human Genetics Tuebingen
Classification: Pathogenic. Last evaluated: 2023-06-01. Review status: criteria provided, single submitter. Criteria: CeGaT Center For Human Genetics Tuebingen Variant Classification Criteria Version 2. Collection method: clinical testing. Allele origin: germline. Affected: yes. Observed: 1 variant allele.
Comment: NBEA: PVS1, PM2